The following is an entry in ClinVar:

ClinVar aggregate classification (germline): Pathogenic/Likely pathogenic. Review status: criteria provided, multiple submitters, no conflicts (2 of 4 stars). 3 submissions from 3 submitters: Pathogenic (2); Likely pathogenic (1). Last evaluated 2024-10-01.

Conditions:
Congenital myasthenic syndrome 4A. Also called: Myasthenic syndrome, congenital, 4a, slow-channel; CONGENITAL MYASTHENIC SYNDROME TYPE Ia1; MYASTHENIC SYNDROME, CONGENITAL, 4A, SLOW-CHANNEL, AUTOSOMAL RECESSIVE. Identifiers: Orphanet 590, MedGen C4225413, MONDO:0011600, OMIM 605809.
Congenital myasthenic syndrome (CMS). Also called: Congenital Myasthenic Syndromes. Identifiers: Orphanet 590, MedGen C0751882, MeSH D020294, MONDO:0018940.

Submissions (3):

Natera, Inc.
Classification: Likely pathogenic for Congenital myasthenic syndrome. Last evaluated: 2024-10-01. Review status: criteria provided, single submitter. Criteria: Natera Variant Classification Schema (03/2026). Collection method: clinical testing. Allele origin: germline.
Comment: The c.988C>T variant in CHRNE is a nonsense variant predicted to introduce a stop codon at amino acid 330. This variant is expected to result in nonsense mediated decay, truncation, or a dysfunctional protein product. This variant is rare in the general population with a frequency below the threshold expected for the associated phenotype(s). Given the available evidence, this variant is classified as Likely Pathogenic.

Labcorp Genetics (formerly Invitae), Labcorp
Classification: Pathogenic for Congenital myasthenic syndrome 4A. Last evaluated: 2022-06-19. Review status: criteria provided, single submitter. Criteria: Invitae Variant Classification Sherloc (09022015). Collection method: clinical testing. Allele origin: germline.
Comment: For these reasons, this variant has been classified as Pathogenic. This variant has not been reported in the literature in individuals affected with CHRNE-related conditions. This variant is not present in population databases (gnomAD no frequency). This sequence change creates a premature translational stop signal (p.Gln330*) in the CHRNE gene. It is expected to result in an absent or disrupted protein product. Loss-of-function variants in CHRNE are known to be pathogenic (PMID: 22678886).

Baylor Genetics
Classification: Pathogenic for Congenital myasthenic syndrome 4A. Last evaluated: 2022-02-12. Review status: criteria provided, single submitter. Criteria: ACMG Guidelines, 2015. Collection method: clinical testing. Allele origin: unknown.

Literature cited by the submitters: PubMed 22678886 (cited by Labcorp Genetics (formerly Invitae), Labcorp).

NM_000080.4(CHRNE):c.988C>T (p.Gln330Ter)

Gene: CHRNE (cholinergic receptor nicotinic epsilon subunit; minus strand). Cytogenetic location: 17p13.2.
Variant type: single nucleotide variant.
Coding change: c.988C>T on transcript NM_000080.4 (MANE Select); coding-DNA position 988, C replaced by T.
Protein change: p.Gln330Ter; replaces glutamine 330 with a stop codon.
Molecular consequence: nonsense.
Genome position (GRCh38, 1-based): chr17:4,899,512, G>A on the plus strand (C>T on the coding strand, the complement: CHRNE is on the minus strand). VCF-style: chr17-4899512-G-A. GRCh37 (hg19) VCF-style: chr17-4802807-G-A.
Other names: c.988C>T (NM_000080.3); short protein forms Q330*.
Identifiers: ClinVar variation 2137882 (VCV002137882.6), dbSNP rs2507543742, ClinGen allele CA397300903.
Genomic context (GRCh38, chr17:4,899,512, plus strand): 5'-CCCCCTCCGCGCTTACGTGGCGCAGCCGCGGGGACATGGCGTGGGTGGTGGGCGTCCGCT[G>A]GGACACGTTGAGCACGATGACGCAATTCATGACAATGAGCGTGGCGACCACCATGACGAA-3'